The following is an entry in ClinVar:

NM_000531.5:c.(386+1_387-1)_(1005+1_1006-1)del

Gene: OTC (ornithine transcarbamylase; plus strand).
Variant type: Deletion.
Identifiers: ClinVar variation 933140 (VCV000933140.2).

ClinVar aggregate classification (germline): Pathogenic (0 of 4 stars; one submission).

Conditions:
Ornithine carbamoyltransferase deficiency (OTCD). Also called: ORNITHINE TRANSCARBAMYLASE DEFICIENCY; Ornithine Carbamoyltransferase Deficiency Disease; OTC DEFICIENCY; ORNITHINE TRANSCARBAMYLASE DEFICIENCY, HYPERAMMONEMIA DUE TO. Identifiers: Orphanet 664, MedGen C0268542, MONDO:0010703, OMIM 311250.

Submission:

Molecular Genetics laboratory, Necker Hospital
Classification: Pathogenic for Ornithine carbamoyltransferase deficiency. Review status: no assertion criteria provided. Collection method: clinical testing. Allele origin: de novo. Inheritance: X-linked inheritance. Affected: yes.